The following is an entry in ClinVar:

NM_005144.5(HR):c.3287_3291dup (p.Leu1098fs)

Gene: HR (HR lysine demethylase and nuclear receptor corepressor; minus strand). Cytogenetic location: 8p21.3.
Variant type: Duplication.
Coding change: c.3287_3291dup on transcript NM_005144.5 (MANE Select); coding-DNA positions 3287 to 3291, 5 bases duplicated (GGCGC; older notation c.3287_3291dupGGCGC).
Protein change: p.Leu1098fs; shifts the reading frame from leucine 1098.
Molecular consequence: frameshift variant. On other transcripts: intron variant (1).
Genome position (GRCh38, 1-based): chr8:22,116,962-22,116,966, GCGCC duplicated on the plus strand (GGCGC on the coding strand, the reverse complement: HR is on the minus strand); duplicating any 5 consecutive bases within chr8:22,116,962-22,116,968 gives the same sequence; the c. name uses the placement nearest the transcript's 3' end. VCF-style (leftmost placement, unchanged base first): chr8-22116961-G-GGCGCC. GRCh37 (hg19) VCF-style: chr8-21974474-G-GGCGCC.
Other names: c.3214-538_3214-534dup (NM_018411.4); short protein forms L1098fs.
Identifiers: ClinVar variation 2755530 (VCV002755530.3), dbSNP rs2538867968, ClinGen allele CA2697549777.

ClinVar aggregate classification (germline): Pathogenic (1 of 4 stars; one submission).

Submission:

Labcorp Genetics (formerly Invitae), Labcorp
Classification: Pathogenic. Last evaluated: 2023-08-27. Review status: criteria provided, single submitter. Criteria: Invitae Variant Classification Sherloc (09022015). Collection method: clinical testing. Allele origin: germline.
Comment: Algorithms developed to predict the effect of sequence changes on RNA splicing suggest that this variant may disrupt the consensus splice site. For these reasons, this variant has been classified as Pathogenic. This variant has not been reported in the literature in individuals affected with HR-related conditions. This sequence change creates a premature translational stop signal (p.Leu1098Glyfs*9) in the HR gene. It is expected to result in an absent or disrupted protein product. Loss-of-function variants in HR are known to be pathogenic (PMID: 17869066, 18164595). This variant is not present in population databases (gnomAD no frequency).

Literature cited by the submitters: PubMed 17869066; PubMed 18164595.